The following is an entry in ClinVar:

ClinVar aggregate classification (germline): Uncertain significance (1 of 4 stars; one submission).

Conditions:
Primary familial hypertrophic cardiomyopathy (HCM). Identifiers: Orphanet 99739, MedGen C0949658, MeSH D024741, MONDO:0024573. Inheritance: Various modes of inheritance.

Submission:

Petrovsky National Research Centre of Surgery, The Federal Agency for Scientific Organizations
Classification: Uncertain significance for Primary familial hypertrophic cardiomyopathy. Last evaluated: 2026-06-02. Review status: criteria provided, single submitter. Criteria: ACMG Guidelines, 2015. Collection method: research. Allele origin: unknown. Inheritance: Autosomal dominant inheritance. Affected: yes. Observed: 1 variant allele, 1 heterozygote.
Comment: This variant is in The Genome Aggregation Database (gnomAD) v4.1.0 with total AF=0.00001057 (Date of access 29-05-2026). Computational evidence suggests disruption of splicing: SpliceAI score=0.27>0.2 (PP3). In accordance with ACMG(2015) criteria this variant is classified as Variant of Uncertain Significance (VUS) with following criteria selected: PM2, PP3

NM_000336.3(SCNN1B):c.1152+7dup

Gene: SCNN1B (sodium channel epithelial 1 subunit beta; plus strand). Cytogenetic location: 16p12.2.
Variant type: Duplication.
Coding change: c.1152+7dup on transcript NM_000336.3 (MANE Select); 7 bases into the intron after coding-DNA position 1152, one base duplicated (A; older notation c.1152+7dupA).
Molecular consequence: intron variant.
Genome position (GRCh38, 1-based): chr16:23,371,890, A duplicated; the last of 2 consecutive A bases (chr16:23,371,889-23,371,890); duplicating either gives the same sequence. VCF-style (leftmost placement, unchanged base first): chr16-23371888-G-GA. GRCh37 (hg19) VCF-style: chr16-23383209-G-GA.
Other names: c.1044+428dup (NM_001410900.1).
Identifiers: ClinVar variation 4857226 (VCV004857226.1).
Genomic context (GRCh38, chr16:23,371,888, plus strand): 5'-CTGAGGTCCCCGTCCAAAACTTCTACAGTGACTACAACACGACCTACTCCATCCAGGTGG[G>GA]AAGGTGGTGCACGCCTCATGCCCCGGGGCCCCTGTCCGGGTTTATGGGGCCAAGGCCTCA-3'